The following is an entry in ClinVar:

ClinVar aggregate classification (germline): Conflicting classifications of pathogenicity. Review status: criteria provided, conflicting classifications (1 of 4 stars). 6 submissions from 6 submitters: Uncertain significance (4); Likely benign (2). Last evaluated 2026-06-03.

Conditions:
Inborn genetic diseases. Identifiers: MedGen C0950123, MeSH D030342.
Achromatopsia 2 (ACHM2). Also called: ROD MONOCHROMACY 2; ROD MONOCHROMATISM 2; COLORBLINDNESS, TOTAL. Identifiers: Orphanet 49382, MedGen C1857618, MONDO:0009003, OMIM 216900.
CNGA3-related disorder. Also called: CNGA3-related condition.

Allele frequency attached by ClinVar (database versions not stated): ESP Exome Variant Server 0.00015; gnomAD 0.00022; TOPMed 0.00046; 1000 Genomes Project 30x 0.00062; 1000 Genomes Project 0.00080.

Submissions (6):

PreventionGenetics, part of Exact Sciences
Classification: Uncertain significance for CNGA3-related condition. Last evaluated: 2026-06-03. Review status: criteria provided, single submitter. Criteria: ACMG Guidelines, 2015. Collection method: clinical testing. Allele origin: germline.
Comment: The CNGA3 c.473C>T variant is predicted to result in the amino acid substitution p.Ala158Val. This variant was previously reported in a large cohort of individuals with achromatopsia (Solaki et al. 2022. PubMed ID: 35332618). However, this variant is reported in 0.095% of alleles in individuals of East Asian descent in gnomAD, which is likely too frequent to be a primary cause of disease. Although we suspect that this variant may be benign, at this time, the clinical significance of this variant is uncertain due to the absence of conclusive functional and genetic evidence.

Labcorp Genetics (formerly Invitae), Labcorp
Classification: Likely benign. Last evaluated: 2026-01-21. Review status: criteria provided, single submitter. Criteria: Invitae Variant Classification Sherloc (09022015). Collection method: clinical testing. Allele origin: germline.

Blueprint Genetics
Classification: Likely benign. Last evaluated: 2024-11-21. Review status: criteria provided, single submitter. Criteria: ACMG Guidelines, 2015. Collection method: clinical testing. Allele origin: germline.

Ambry Genetics
Classification: Uncertain significance for Inborn genetic diseases. Last evaluated: 2021-08-02. Review status: criteria provided, single submitter. Criteria: Ambry Variant Classification Scheme 2023. Collection method: clinical testing. Allele origin: germline.

Illumina Laboratory Services, Illumina
Classification: Uncertain significance for Achromatopsia 2. Last evaluated: 2017-04-27. Review status: criteria provided, single submitter. Criteria: ICSL Variant Classification Criteria 13 December 2019. Collection method: clinical testing. Allele origin: germline.

CeGaT Center for Human Genetics Tuebingen
Classification: Uncertain significance. Last evaluated: 2016-07-01. Review status: criteria provided, single submitter. Criteria: CeGaT Center For Human Genetics Tuebingen Variant Classification Criteria Version 2. Collection method: clinical testing. Allele origin: germline. Affected: yes. Observed: 1 variant allele.

NM_001298.3(CNGA3):c.473C>T (p.Ala158Val)

Gene: CNGA3 (cyclic nucleotide gated channel subunit alpha 3; plus strand). Cytogenetic location: 2q11.2.
Variant type: single nucleotide variant.
Coding change: c.473C>T on transcript NM_001298.3 (MANE Select); coding-DNA position 473, C replaced by T.
Protein change: p.Ala158Val; replaces alanine 158 with valine.
Molecular consequence: missense variant.
Genome position (GRCh38, 1-based): chr2:98,389,681, C>T. VCF-style: chr2-98389681-C-T. GRCh37 (hg19) VCF-style: chr2-99006144-C-T.
Other names: c.419C>T, p.Ala140Val (NM_001079878.2); short protein forms A158V, A140V.
Identifiers: ClinVar variation 374721 (VCV000374721.59), dbSNP rs138934573, ClinGen allele CA1793768.